The following is an entry in ClinVar:

NM_014249.4(NR2E3):c.867_877del (p.Gln290fs)

Gene: NR2E3 (nuclear receptor subfamily 2 group E member 3; plus strand). Cytogenetic location: 15q23.
Variant type: Deletion.
Coding change: c.867_877del on transcript NM_014249.4 (MANE Select); coding-DNA positions 867 to 877, 11 bases deleted (CCAGGGCCGGC).
Protein change: p.Gln290fs; shifts the reading frame from glutamine 290.
Molecular consequence: frameshift variant.
Genome position (GRCh38, 1-based): chr15:71,813,508-71,813,518, CCAGGGCCGGC deleted; deleting any 11 consecutive bases within chr15:71,813,506-71,813,518 gives the same sequence; the c. name uses the placement nearest the transcript's 3' end. VCF-style (leftmost placement, unchanged base first): chr15-71813505-TGCCCAGGGCCG-T. GRCh37 (hg19) VCF-style: chr15-72105845-TGCCCAGGGCCG-T.
Other names: c.867_877del, p.Gln290fs (NM_016346.4); short protein forms Q290fs.
Identifiers: ClinVar variation 935172 (VCV000935172.7), dbSNP rs2054203105, ClinGen allele CA1139664057.

ClinVar aggregate classification (germline): Pathogenic (1 of 4 stars; one submission).

Submission:

Labcorp Genetics (formerly Invitae), Labcorp
Classification: Pathogenic. Last evaluated: 2019-08-01. Review status: criteria provided, single submitter. Criteria: Invitae Variant Classification Sherloc (09022015). Collection method: clinical testing. Allele origin: germline.
Comment: For these reasons, this variant has been classified as Pathogenic. Loss-of-function variants in NR2E3 are known to be pathogenic (PMID: 15459973, 27522502). This variant has not been reported in the literature in individuals with NR2E3-related conditions. This variant is not present in population databases (ExAC no frequency). This sequence change creates a premature translational stop signal (p.Gln290Hisfs*47) in the NR2E3 gene. It is expected to result in an absent or disrupted protein product.

Literature cited by the submitters: PubMed 15459973; PubMed 27522502.